The following is an entry in ClinVar:

ClinVar aggregate classification (germline): Uncertain significance (1 of 4 stars; one submission).

Allele frequency attached by ClinVar (database versions not stated): ExAC 0.00001; gnomAD 0.00001; gnomAD exomes 0.00001; TOPMed 0.00002.
gnomAD v4.1: 14 of 1,613,976 alleles (0.00087%); highest among the groups gnomAD compares: Admixed American, 0.005%; no homozygotes.

Submission:

Labcorp Genetics (formerly Invitae), Labcorp
Classification: Uncertain significance. Last evaluated: 2023-05-01. Review status: criteria provided, single submitter. Criteria: Invitae Variant Classification Sherloc (09022015). Collection method: clinical testing. Allele origin: germline.
Comment: Advanced modeling of protein sequence and biophysical properties (such as structural, functional, and spatial information, amino acid conservation, physicochemical variation, residue mobility, and thermodynamic stability) performed at Invitae indicates that this missense variant is not expected to disrupt FN1 protein function. In summary, the available evidence is currently insufficient to determine the role of this variant in disease. Therefore, it has been classified as a Variant of Uncertain Significance. This variant has not been reported in the literature in individuals affected with FN1-related conditions. This variant is present in population databases (rs769169872, gnomAD 0.003%). This sequence change replaces threonine, which is neutral and polar, with serine, which is neutral and polar, at codon 224 of the FN1 protein (p.Thr224Ser).

NM_212482.4(FN1):c.671C>G (p.Thr224Ser)

Gene: FN1 (fibronectin 1; minus strand). Cytogenetic location: 2q35.
Variant type: single nucleotide variant.
Coding change: c.671C>G on transcript NM_212482.4 (MANE Select); coding-DNA position 671, C replaced by G.
Protein change: p.Thr224Ser; replaces threonine 224 with serine.
Molecular consequence: missense variant.
Genome position (GRCh38, 1-based): chr2:215,430,729, G>C on the plus strand (C>G on the coding strand, the complement: FN1 is on the minus strand). VCF-style: chr2-215430729-G-C. GRCh37 (hg19) VCF-style: chr2-216295452-G-C.
Other names: c.671C>G, p.Thr224Ser (NM_001365523.2, NM_001365524.2, NM_002026.4 and 14 more transcripts); short protein forms T224S.
Identifiers: ClinVar variation 2980048 (VCV002980048.3), dbSNP rs769169872, ClinGen allele CA2095492.